The following is an entry in ClinVar:

NM_000540.3(RYR1):c.14759C>A (p.Thr4920Asn)

Gene: RYR1 (ryanodine receptor 1; plus strand). Cytogenetic location: 19q13.2.
Variant type: single nucleotide variant.
Coding change: c.14759C>A on transcript NM_000540.3 (MANE Select); coding-DNA position 14759, C replaced by A.
Protein change: p.Thr4920Asn; replaces threonine 4920 with asparagine.
Molecular consequence: missense variant.
Genome position (GRCh38, 1-based): chr19:38,585,055, C>A. VCF-style: chr19-38585055-C-A. GRCh37 (hg19) VCF-style: chr19-39075695-C-A.
Other names: c.14744C>A, p.Thr4915Asn (NM_001042723.2); short protein forms T4920N, T4915N.
Identifiers: ClinVar variation 65997 (VCV000065997.5), dbSNP rs118192155, ClinGen allele CA024246.
Genomic context (GRCh38, chr19:38,585,055, plus strand): 5'-ACGAGATCGAGGACCCCGCGGGTGACGAATACGAGCTCTACAGGGTGGTCTTCGACATCA[C>A]CTTCTTCTTCTTCGTCATCGTCATCCTGTTGGCCATCATCCAGGGTCAGTGCTGGGAGTG-3'
Protein context (NP_000531.2, residues 4910-4930): YELYRVVFDI[Thr4920Asn]FFFFVIVILL

ClinVar aggregate classification (germline): Likely pathogenic. Review status: criteria provided, single submitter (1 of 4 stars). 3 submissions from 3 submitters: Likely pathogenic (1). 2 of the submissions do not count toward it. Last evaluated 2025-07-07.

Conditions:
RYR1-related disorder. Also called: RYR1-related condition; RYR1-related disorders. Identifiers: MedGen CN239331.
Central core myopathy (CMYO1A). Also called: Central core disease; Myopathy, central fibrillar; CONGENITAL MYOPATHY 1A, AUTOSOMAL DOMINANT, WITH SUSCEPTIBILITY TO MALIGNANT HYPERTHERMIA. Identifiers: Orphanet 597, MedGen C5830701, MONDO:0007294, OMIM 117000.

Submissions (3):

Labcorp Genetics (formerly Invitae), Labcorp
Classification: Likely pathogenic for RYR1-related disorder. Last evaluated: 2025-07-07. Review status: criteria provided, single submitter. Criteria: Invitae Variant Classification Sherloc (09022015). Collection method: clinical testing. Allele origin: germline.
Comment: This sequence change replaces threonine, which is neutral and polar, with asparagine, which is neutral and polar, at codon 4920 of the RYR1 protein (p.Thr4920Asn). This variant is not present in population databases (gnomAD no frequency). This missense change has been observed in individuals with autosomal dominant central core disease (PMID: 16621918, 27363342; internal data). ClinVar contains an entry for this variant (Variation ID: 65997). Invitae Evidence Modeling of protein sequence and biophysical properties (such as structural, functional, and spatial information, amino acid conservation, physicochemical variation, residue mobility, and thermodynamic stability) has been performed for this missense variant. However, the output from this modeling did not meet the statistical confidence thresholds required to predict the impact of this variant on RYR1 protein function. This variant disrupts the p.Thr4920 amino acid residue in RYR1. Other variant(s) that disrupt this residue have been determined to be pathogenic (PMID: 16621918, 27363342). This suggests that this residue is clinically significant, and that variants that disrupt this residue are likely to be disease-causing. In summary, the currently available evidence indicates that the variant is pathogenic, but additional data are needed to prove that conclusively. Therefore, this variant has been classified as Likely Pathogenic.

GeneReviews
Classification: Pathogenic for Central Core Disease. Last evaluated: 2010-05-11. Review status: no assertion criteria provided. Collection method: curation. Allele origin: unknown. Not counted in ClinVar's aggregate classification.
ClinVar note: Converted during submission from pathologic to Pathogenic.

RYR1 database
No classification provided. Review status: no classification provided. Collection method: not provided. Allele origin: unknown. Not counted in ClinVar's aggregate classification.

Literature cited by the submitters: PubMed 16621918 (cited by Labcorp Genetics (formerly Invitae), Labcorp); PubMed 27363342 (cited by Labcorp Genetics (formerly Invitae), Labcorp).